The following is an entry in ClinVar:

NM_007289.4(MME):c.1564C>T (p.Gln522Ter)

Gene: MME (membrane metalloendopeptidase; plus strand). Cytogenetic location: 3q25.2.
Variant type: single nucleotide variant.
Coding change: c.1564C>T on transcript NM_007289.4 (MANE Select); coding-DNA position 1564, C replaced by T.
Protein change: p.Gln522Ter; replaces glutamine 522 with a stop codon.
Molecular consequence: nonsense.
Genome position (GRCh38, 1-based): chr3:155,148,616, C>T. VCF-style: chr3-155148616-C-T. GRCh37 (hg19) VCF-style: chr3-154866405-C-T.
Other names: c.1564C>T, p.Gln522Ter (NM_000902.5, NM_001354642.2, NM_001354643.1 and 2 more transcripts); c.1564C>T (NM_007289.3); short protein forms Q522*.
Identifiers: ClinVar variation 432777 (VCV000432777.33), dbSNP rs1553765316, ClinGen allele CA355131131.

ClinVar aggregate classification (germline): Pathogenic. Review status: criteria provided, multiple submitters, no conflicts (2 of 4 stars). 8 submissions from 7 submitters: Pathogenic (5). 3 of the submissions do not count toward it. Last evaluated 2025-08-07.

Conditions:
Charcot-Marie-Tooth disease axonal type 2T. Identifiers: Orphanet 443950, MedGen C4015635, OMIM 617017, MONDO:0014866.
Spinocerebellar ataxia 43 (SCA43). Identifiers: Orphanet 497764, MedGen C4310763, MONDO:0014867, OMIM 617018.

gnomAD v4.1: 1 of 1,612,704 alleles (0.000062%); no homozygotes.

Submissions (8):

First Genomix Gene Laboratory, Genetic Diagnostics Department
Classification: Pathogenic for Charcot-Marie-Tooth disease axonal type 2T. Last evaluated: 2025-08-07. Review status: criteria provided, single submitter. Criteria: ACMG Guidelines, 2015. Collection method: clinical testing. Allele origin: germline. Inheritance: Autosomal recessive inheritance. Affected: no. Observed: 1 variant allele.

Revvity Omics, Revvity
Classification: Pathogenic. Last evaluated: 2025-07-01. Review status: criteria provided, single submitter. Criteria: ACMG Guidelines, 2015. Collection method: clinical testing. Allele origin: germline.

Institute of Medical Genetics and Applied Genomics, University Hospital Tübingen
Classification: Pathogenic for Charcot-Marie-Tooth disease axonal type 2T. Last evaluated: 2024-08-07. Review status: criteria provided, single submitter. Criteria: ACMG Guidelines, 2015. Collection method: clinical testing. Allele origin: germline. Inheritance: Autosomal recessive inheritance. Affected: yes.

CeGaT Center for Human Genetics Tuebingen
Classification: Pathogenic. Last evaluated: 2022-06-01. Review status: criteria provided, single submitter. Criteria: CeGaT Center For Human Genetics Tuebingen Variant Classification Criteria Version 2. Collection method: clinical testing. Allele origin: germline. Affected: yes. Observed: 1 variant allele.
Comment: MME: PVS1, PM2

GeneDx
Classification: Pathogenic. Last evaluated: 2017-06-19. Review status: criteria provided, single submitter. Criteria: GeneDx Variant Classification (06012015). Collection method: clinical testing. Allele origin: germline. Affected: yes.
Comment: The Q522X variant in the MME gene has not been reported previously as a pathogenic variant nor as a benign variant, to our knowledge. This variant is predicted to cause loss of normal protein function either through protein truncation or nonsense-mediated mRNA decay. The Q522X variant is not observed in large population cohorts (Lek et al., 2016; 1000 Genomes Consortium et al., 2015; Exome Variant Server). We interpret Q522X as a pathogenic variant.

Human Genetics Research  Center, Baqiyatallah University of Medical Sciences
Classification: Pathogenic for Charcot-Marie-Tooth disease axonal type 2T. Last evaluated: 2021-01-02. Review status: no assertion criteria provided. Collection method: clinical testing. Allele origin: germline. Inheritance: Autosomal recessive inheritance. Affected: yes. Observed: 3 variant alleles, 3 homozygotes. Clinical features observed: Decreased motor nerve conduction velocity (HP:0003431). Not counted in ClinVar's aggregate classification.

Next Generation Genetic Polyclinic
Classification: Pathogenic for Charcot-Marie-Tooth disease axonal type 2T. Review status: no assertion criteria provided. Collection method: clinical testing. Allele origin: inherited. Affected: yes. Not counted in ClinVar's aggregate classification.

Next Generation Genetic Polyclinic
Classification: Pathogenic for Spinocerebellar ataxia 43. Review status: no assertion criteria provided. Collection method: clinical testing. Allele origin: de novo. Affected: yes. Not counted in ClinVar's aggregate classification.